The following is an entry in ClinVar:

ClinVar aggregate classification (germline): Uncertain significance (1 of 4 stars; one submission).

Submission:

GeneDx
Classification: Uncertain significance. Last evaluated: 2021-05-26. Review status: criteria provided, single submitter. Criteria: GeneDx Variant Classification Process June 2021. Collection method: clinical testing. Allele origin: germline. Affected: yes.
Comment: Not observed in large population cohorts (Database of Genomic Variants; McDonald et al., 2014); In silico analysis supports that this missense variant does not alter protein structure/function; Has not been previously published as pathogenic or benign to our knowledge

NM_006158.5(NEFL):c.1482G>T (p.Glu494Asp)

Gene: NEFL (neurofilament light chain; minus strand). Cytogenetic location: 8p21.2.
Variant type: single nucleotide variant.
Coding change: c.1482G>T on transcript NM_006158.5 (MANE Select); coding-DNA position 1482, G replaced by T.
Protein change: p.Glu494Asp; replaces glutamic acid 494 with aspartic acid.
Molecular consequence: missense variant.
Genome position (GRCh38, 1-based): chr8:24,953,483, C>A on the plus strand (G>T on the coding strand, the complement: NEFL is on the minus strand). VCF-style: chr8-24953483-C-A. GRCh37 (hg19) VCF-style: chr8-24810996-C-A.
Other names: short protein forms E494D.
Identifiers: ClinVar variation 1326660 (VCV001326660.2), dbSNP rs1554497313, ClinGen allele CA370619821.